The following is an entry in ClinVar:

ClinVar aggregate classification (germline): Uncertain significance (1 of 4 stars; one submission).

Submission:

Labcorp Genetics (formerly Invitae), Labcorp
Classification: Uncertain significance. Last evaluated: 2021-08-18. Review status: criteria provided, single submitter. Criteria: Invitae Variant Classification Sherloc (09022015). Collection method: clinical testing. Allele origin: germline.
Comment: Algorithms developed to predict the effect of missense changes on protein structure and function are either unavailable or do not agree on the potential impact of this missense change (SIFT: "Deleterious"; PolyPhen-2: "Benign"; Align-GVGD: "Class C0"). This sequence change replaces isoleucine with phenylalanine at codon 802 of the CHD5 protein (p.Ile802Phe). The isoleucine residue is highly conserved and there is a small physicochemical difference between isoleucine and phenylalanine. This variant is not present in population databases (ExAC no frequency). This variant has not been reported in the literature in individuals affected with CHD5-related conditions. In summary, the available evidence is currently insufficient to determine the role of this variant in disease. Therefore, it has been classified as a Variant of Uncertain Significance.

NM_015557.3(CHD5):c.2404A>T (p.Ile802Phe)

Gene: CHD5 (chromodomain helicase DNA binding protein 5; minus strand). Cytogenetic location: 1p36.31.
Variant type: single nucleotide variant.
Coding change: c.2404A>T on transcript NM_015557.3 (MANE Select); coding-DNA position 2404, A replaced by T.
Protein change: p.Ile802Phe; replaces isoleucine 802 with phenylalanine.
Molecular consequence: missense variant.
Genome position (GRCh38, 1-based): chr1:6,142,160, T>A on the plus strand (A>T on the coding strand, the complement: CHD5 is on the minus strand). VCF-style: chr1-6142160-T-A. GRCh37 (hg19) VCF-style: chr1-6202220-T-A.
Other names: short protein forms I802F.
Identifiers: ClinVar variation 1440989 (VCV001440989.6), dbSNP rs2100857040, ClinGen allele CA338079929.